The following is an entry in ClinVar:

NM_000540.3(RYR1):c.5134G>A (p.Asp1712Asn)

Gene: RYR1 (ryanodine receptor 1; plus strand). Cytogenetic location: 19q13.2.
Variant type: single nucleotide variant.
Coding change: c.5134G>A on transcript NM_000540.3 (MANE Select); coding-DNA position 5134, G replaced by A.
Protein change: p.Asp1712Asn; replaces aspartic acid 1712 with asparagine.
Molecular consequence: missense variant.
Genome position (GRCh38, 1-based): chr19:38,485,789, G>A. VCF-style: chr19-38485789-G-A. GRCh37 (hg19) VCF-style: chr19-38976429-G-A.
Other names: c.5134G>A, p.Asp1712Asn (NM_001042723.2); short protein forms D1712N.
Identifiers: ClinVar variation 1508630 (VCV001508630.6), dbSNP rs2145543035, ClinGen allele CA405653928.

ClinVar aggregate classification (germline): Uncertain significance (1 of 4 stars; one submission).

Conditions:
RYR1-related disorder. Also called: RYR1-related condition; RYR1-related disorders. Identifiers: MedGen CN239331.

Submission:

Labcorp Genetics (formerly Invitae), Labcorp
Classification: Uncertain significance for RYR1-related disorder. Last evaluated: 2024-02-24. Review status: criteria provided, single submitter. Criteria: Invitae Variant Classification Sherloc (09022015). Collection method: clinical testing. Allele origin: germline.
Comment: This sequence change replaces aspartic acid, which is acidic and polar, with asparagine, which is neutral and polar, at codon 1712 of the RYR1 protein (p.Asp1712Asn). This variant is not present in population databases (gnomAD no frequency). This variant has not been reported in the literature in individuals affected with RYR1-related conditions. ClinVar contains an entry for this variant (Variation ID: 1508630). Advanced modeling of protein sequence and biophysical properties (such as structural, functional, and spatial information, amino acid conservation, physicochemical variation, residue mobility, and thermodynamic stability) has been performed at Invitae for this missense variant, however the output from this modeling did not meet the statistical confidence thresholds required to predict the impact of this variant on RYR1 protein function. In summary, the available evidence is currently insufficient to determine the role of this variant in disease. Therefore, it has been classified as a Variant of Uncertain Significance.